The following is an entry in ClinVar:

NM_033310.3(KCNK4):c.567C>G (p.Phe189Leu)

Genes: KCNK4 (potassium two pore domain channel subfamily K member 4; plus strand), KCNK4-CATSPERZ (KCNK4-CATSPERZ readthrough (NMD candidate); plus strand). Cytogenetic location: 11q13.1.
Variant type: single nucleotide variant.
Coding change: c.567C>G on transcript NM_033310.3 (MANE Select); coding-DNA position 567, C replaced by G.
Protein change: p.Phe189Leu; replaces phenylalanine 189 with leucine.
Molecular consequence: missense variant. On other transcripts: non-coding transcript variant (1).
Genome position (GRCh38, 1-based): chr11:64,297,559, C>G. VCF-style: chr11-64297559-C-G. GRCh37 (hg19) VCF-style: chr11-64065031-C-G.
Other names: c.567C>G, p.Phe189Leu (NM_001317090.2); short protein forms F189L.
Identifiers: ClinVar variation 4767192 (VCV004767192.1).

ClinVar aggregate classification (germline): Uncertain significance (1 of 4 stars; one submission).

Submission:

Labcorp Genetics (formerly Invitae), Labcorp
Classification: Uncertain significance. Last evaluated: 2026-01-21. Review status: criteria provided, single submitter. Criteria: Invitae Variant Classification Sherloc (09022015). Collection method: clinical testing. Allele origin: germline.
Comment: This sequence change replaces phenylalanine, which is neutral and non-polar, with leucine, which is neutral and non-polar, at codon 189 of the KCNK4 protein (p.Phe189Leu). This variant is present in population databases (rs372028548, gnomAD 0.002%). This variant has not been reported in the literature in individuals affected with KCNK4-related conditions. An algorithm developed to predict the effect of missense changes on protein structure and function (PolyPhen-2) suggests that this variant is likely to be disruptive. In summary, the available evidence is currently insufficient to determine the role of this variant in disease. Therefore, it has been classified as a Variant of Uncertain Significance.